The following is an entry in ClinVar:

ClinVar aggregate classification (germline): Pathogenic, low penetrance (1 of 4 stars; one submission).

Conditions:
Atypical hemolytic-uremic syndrome. Identifiers: Orphanet 2134, MedGen C2931788, MONDO:0016244.

Submission:

Genomenon, Inc
Classification: Pathogenic, low penetrance for Atypical hemolytic-uremic syndrome. Last evaluated: 2025-10-02. Review status: criteria provided, single submitter. Criteria: Genomenon Sequence Variant Interpretation Standards. Collection method: curation. Allele origin: germline. Affected: yes.
Comment: CD46 p.Thr267IlefsTer24 (c.800_821del) is a frameshift variant that results in the production of a truncated protein which is predicted to undergo nonsense-mediated mRNA decay. This variant has been observed in at least one proband affected with atypical hemolytic-uremic syndrome (PMID:30046676). It is absent or not present at a significant frequency in gnomAD. In conclusion, we classify CD46 p.Thr267IlefsTer24 (c.800_821del) as a pathogenic variant.

Literature cited by the submitters: PubMed 30046676.

NM_172351.3(CD46):c.800_821del (p.Thr267fs)

Gene: CD46 (CD46 molecule; plus strand). Cytogenetic location: 1q32.2.
Variant type: Deletion.
Coding change: c.800_821del on transcript NM_172351.3 (MANE Select); coding-DNA positions 800 to 821, 22 bases deleted (CAATTGTCTGTGACAGTAACAG).
Protein change: p.Thr267fs; shifts the reading frame from threonine 267.
Molecular consequence: frameshift variant.
Genome position (GRCh38, 1-based): chr1:207,767,139-207,767,160, CAATTGTCTGTGACAGTAACAG deleted. VCF-style (leftmost placement, unchanged base first): chr1-207767138-ACAATTGTCTGTGACAGTAACAG-A. GRCh37 (hg19) VCF-style: chr1-207940483-ACAATTGTCTGTGACAGTAACAG-A.
Other names: c.800_821del, p.Thr267fs (NM_002389.4, NM_153826.4, NM_172350.3 and 8 more transcripts); short protein forms T267fs.
Identifiers: ClinVar variation 4291197 (VCV004291197.1).